The following is an entry in ClinVar:

NM_006734.4(HIVEP2):c.5764del (p.Asp1922fs)

Gene: HIVEP2 (HIVEP zinc finger 2; minus strand). Cytogenetic location: 6q24.2.
Variant type: Deletion.
Coding change: c.5764del on transcript NM_006734.4 (MANE Select); coding-DNA position 5764, one base deleted (G; older notation c.5764delG).
Protein change: p.Asp1922fs; shifts the reading frame from aspartic acid 1922.
Molecular consequence: frameshift variant.
Genome position (GRCh38, 1-based): chr6:142,760,524, C deleted on the plus strand (G on the coding strand, the reverse complement: HIVEP2 is on the minus strand). VCF-style (leftmost placement, unchanged base first): chr6-142760523-TC-T. GRCh37 (hg19) VCF-style: chr6-143081660-TC-T.
Other names: short protein forms D1922fs.
Identifiers: ClinVar variation 3062061 (VCV003062061.1), dbSNP rs2482772851, ClinGen allele CA2740091504.

ClinVar aggregate classification (germline): Pathogenic (1 of 4 stars; one submission).

Conditions:
Intellectual developmental disorder, autosomal dominant 43. Also called: Intellectual disability, autosomal dominant 43. Identifiers: MedGen C4707429, MONDO:0014858, OMIM 616977.

Submission:

Illumina Laboratory Services, Illumina
Classification: Pathogenic for Intellectual developmental disorder, autosomal dominant 43. Last evaluated: 2019-01-04. Review status: criteria provided, single submitter. Criteria: ICSLVariantClassificationCriteria RUGD 01 April 2020. Collection method: clinical testing. Allele origin: unknown.
Comment: The HIVEP2 c.5764delG p.(Asp1922ThrfsTer6) variant causes a shift in the protein reading frame that is predicted to result in premature termination of the protein. Loss of normal protein function through either protein truncation or nonsense-mediated mRNA decay is expected. While this variant is in exon 9 of 10 of the reported transcript, there have been other variants reported in affected individuals that occur downstream from this position (Steinfeld et al. 2016). To our knowledge, this variant has not been reported in the peer-reviewed literature. This variant is not observed in version 2.1.1 of the Genome Aggregation Database. Based on the available evidence, the c.5764delG p.(Asp1922ThrfsTer6) variant is classified as pathogenic for autosomal dominant intellectual developmental disorder.